The following is an entry in ClinVar:

NM_002230.4(JUP):c.2066T>A (p.Ile689Asn)

Gene: JUP (junction plakoglobin; minus strand). Cytogenetic location: 17q21.2.
Variant type: single nucleotide variant.
Coding change: c.2066T>A on transcript NM_002230.4 (MANE Select); coding-DNA position 2066, T replaced by A.
Protein change: p.Ile689Asn; replaces isoleucine 689 with asparagine.
Molecular consequence: missense variant.
Genome position (GRCh38, 1-based): chr17:41,756,195, A>T on the plus strand (T>A on the coding strand, the complement: JUP is on the minus strand). VCF-style: chr17-41756195-A-T. GRCh37 (hg19) VCF-style: chr17-39912447-A-T.
Other names: c.2066T>A, p.Ile689Asn (NM_001352773.2, NM_001352774.2, NM_001352775.2 and 3 more transcripts); short protein forms I689N.
Identifiers: ClinVar variation 4844415 (VCV004844415.1).

ClinVar aggregate classification (germline): Uncertain significance (1 of 4 stars; one submission).

Conditions:
Cardiovascular phenotype. Identifiers: MedGen CN230736.

Submission:

Ambry Genetics
Classification: Uncertain significance for Cardiovascular phenotype. Last evaluated: 2026-02-16. Review status: criteria provided, single submitter. Criteria: Ambry Variant Classification Scheme 2023. Collection method: clinical testing. Allele origin: germline.
Comment: The p.I689N variant (also known as c.2066T>A), located in coding exon 12 of the JUP gene, results from a T to A substitution at nucleotide position 2066. The isoleucine at codon 689 is replaced by asparagine, an amino acid with dissimilar properties. This amino acid position is not well conserved in available vertebrate species. In addition, this alteration is predicted to be tolerated by in silico analysis. Based on the available evidence, the clinical significance of this variant remains unclear.